The following continues an entry in ClinVar:

NM_000352.6(ABCC8):c.2506C>T (p.Arg836Ter)

Gene: ABCC8. ClinVar aggregate classification (germline): Pathogenic/Likely pathogenic. Pathogenic (13); Likely pathogenic (2).

Submissions 12 to 18 of 18:

Women's Health and Genetics/Laboratory Corporation of America, LabCorp
Classification: Pathogenic for Hyperinsulinemic hypoglycemia, familial, 1. Last evaluated: 2019-12-16. Review status: criteria provided, single submitter. Criteria: LabCorp Variant Classification Summary - May 2015. Collection method: clinical testing. Allele origin: germline.
Comment: Variant summary: ABCC8 c.2506C>T (p.Arg836X) results in a premature termination codon, predicted to cause a truncation of the encoded protein or absence of the protein due to nonsense mediated decay, which are commonly known mechanisms for disease. Truncations downstream of this position have been classified as pathogenic by our laboratory. The variant allele was found at a frequency of 6.1e-05 in 246774 control chromosomes (gnomAD). This frequency is not higher than expected for a pathogenic variant in ABCC8 causing Congenital Hyperinsulinism (6.1e-05 vs 0.0034). c.2506C>T has been reported in the literature, in compound heterozygous and homozygous state, in individuals affected with Congenital Hyperinsulinism (Tornovsky_2004, Yorifuji_2011). These data indicate that the variant is very likely to be associated with disease. Experimental evidence evaluating an impact on protein function demonstrated the variant severely impacts trafficking of the channel to the plasma membrane (it did not reach the plasma membrane at all), which in turn causes a substantial defect in channel activity (Tornovsky_2004). Five ClinVar submitters (evaluation after 2014) cite the variant as pathogenic. Based on the evidence outlined above, the variant was classified as pathogenic.

Rady Children's Institute for Genomic Medicine, Rady Children's Hospital San Diego
Classification: Pathogenic for HYPERINSULINEMIC HYPOGLYCEMIA, FAMILIAL, 1. Last evaluated: 2019-03-29. Review status: criteria provided, single submitter. Criteria: ACMG Guidelines, 2015. Collection method: clinical testing. Allele origin: germline. Affected: yes. Observed: 1 variant allele.
Comment: This nonsense variant is predicted to result in loss of normal protein function. The variant has been previously reported in ClinVar as likely pathogenic (Variation ID: 188915). This variant has been described in the heterozygous, compound heterozygous, and homozygous state in diffuse and focal congenital hyperinsulinism (PMID: 23067144, 23345197, 23301914, 26379717, 29644095). It is present in the heterozygous state in the gnomAD population database at a frequency of 0.00006 (17/272624) and thus is presumed to be rare. The c.2506C>T (p.Arg836Ter) variant is predicted by multiple in silico tools to have a deleterious effect on protein function. Based on the available evidence, the c.2506C>T (p.Arg836Ter) variant is classified as pathogenic.

Fulgent Genetics
Classification: Pathogenic for Type 2 diabetes mellitus; Leucine-induced hypoglycemia; Hyperinsulinemic hypoglycemia, familial, 1; Permanent neonatal diabetes mellitus 1; Diabetes mellitus, transient neonatal, 2. Last evaluated: 2018-10-31. Review status: criteria provided, single submitter. Criteria: ACMG Guidelines, 2015. Collection method: clinical testing. Allele origin: unknown.

Athena Diagnostics
Classification: Pathogenic. Last evaluated: 2016-06-24. Review status: criteria provided, single submitter. Criteria: Athena Diagnostics Criteria. Collection method: clinical testing. Allele origin: germline.

Genetic Services Laboratory, University of Chicago
Classification: Pathogenic for Hyperinsulinemic hypoglycemia, familial, 1. Last evaluated: 2021-06-21. Review status: no assertion criteria provided. Collection method: clinical testing. Allele origin: germline. Affected: yes. Not counted in ClinVar's aggregate classification.
Comment: DNA sequence analysis of the ABCC8 gene demonstrated a sequence change, c.2506C>T, which results in the creation of a premature stop codon at amino acid position 836, p.Arg836*. This pathogenic sequence change is predicted to result in an abnormal transcript, which may be degraded, or may lead to the production of a truncated ABCC8 protein with potentially abnormal function. This pathogenic sequence change has previously been described in a patients with both diffuse and focal ABCC8-related hyperinsulinism (PMIDs: 15579781,26379717, 25765446). Functional studies have also demonstrated that this sequence change may impact protein function (PMID: 15579781).

Genomic Diagnostic Laboratory, Division of Genomic Diagnostics, Children's Hospital of Philadelphia
Classification: Pathogenic. Last evaluated: 2015-10-07. Review status: no assertion criteria provided. Collection method: clinical testing. Allele origin: germline. Observed: 1 variant allele. Not counted in ClinVar's aggregate classification.
Comment: Clinical Testing

Counsyl
Classification: Likely pathogenic for Persistent hyperinsulinemic hypoglycemia of infancy. Last evaluated: 2014-08-09. Review status: no assertion criteria provided. Collection method: literature only. Allele origin: unknown. Inheritance: Autosomal recessive inheritance. Not counted in ClinVar's aggregate classification.

Literature cited by the submitters: PubMed 25555642 (cited by Natera, Inc.); PubMed 20685672 (cited by Labcorp Genetics (formerly Invitae), Labcorp); PubMed 23345197 (cited by Labcorp Genetics (formerly Invitae), Labcorp and Athena Diagnostics); PubMed 23067144 (cited by 3 submitters); PubMed 23301914 (cited by Labcorp Genetics (formerly Invitae), Labcorp and Athena Diagnostics); PubMed 26379717 (cited by Labcorp Genetics (formerly Invitae), Labcorp and Athena Diagnostics); PubMed 29644095 (cited by Labcorp Genetics (formerly Invitae), Labcorp); PubMed 36034573 (cited by Clinical Genomics, Uppaluri K&H Personalized Medicine Clinic); PubMed 34462253 (cited by Clinical Genomics, Uppaluri K&H Personalized Medicine Clinic); PubMed 32376986 (cited by Clinical Genomics, Uppaluri K&H Personalized Medicine Clinic); PubMed 20922570 (cited by Clinical Genomics, Uppaluri K&H Personalized Medicine Clinic); PubMed 17389331 (cited by Clinical Genomics, Uppaluri K&H Personalized Medicine Clinic); PubMed 17919176 (cited by Clinical Genomics, Uppaluri K&H Personalized Medicine Clinic); PubMed 21738553 (cited by Clinical Genomics, Uppaluri K&H Personalized Medicine Clinic); PubMed 33013711 (cited by Clinical Genomics, Uppaluri K&H Personalized Medicine Clinic); PubMed 15579781 (cited by 3 submitters); PubMed 20943781 (cited by Women's Health and Genetics/Laboratory Corporation of America, LabCorp and Athena Diagnostics); PubMed 26740944 (cited by Athena Diagnostics); PubMed 25765446 (cited by Athena Diagnostics); PubMed 24332968 (cited by Athena Diagnostics); PubMed 17378627 (cited by Athena Diagnostics and Counsyl); PubMed 10204114 (cited by Athena Diagnostics and Counsyl); PubMed 21422196 (cited by Counsyl).